The following is an entry in ClinVar:

NM_199355.4(ADAMTS18):c.1453T>A (p.Phe485Ile)

Gene: ADAMTS18 (ADAM metallopeptidase with thrombospondin type 1 motif 18; minus strand). Cytogenetic location: 16q23.1.
Variant type: single nucleotide variant.
Coding change: c.1453T>A on transcript NM_199355.4 (MANE Select); coding-DNA position 1453, T replaced by A.
Protein change: p.Phe485Ile; replaces phenylalanine 485 with isoleucine.
Molecular consequence: missense variant.
Genome position (GRCh38, 1-based): chr16:77,355,947, A>T on the plus strand (T>A on the coding strand, the complement: ADAMTS18 is on the minus strand). VCF-style: chr16-77355947-A-T. GRCh37 (hg19) VCF-style: chr16-77389844-A-T.
Other names: c.937T>A, p.Phe313Ile (NM_001326358.2); short protein forms F485I, F313I.
Identifiers: ClinVar variation 100896 (VCV000100896.2), dbSNP rs483352773, ClinGen allele CA229220.
Genomic context (GRCh38, chr16:77,355,947, plus strand): 5'-AATTCTGTCATCACTCCAAACCTAGGAGCACCCCAGGATTTAACCTGTCATACCTGAGGA[A>T]TTTCTTGAGATACTGGCGGCTGCAGGAAGACCATGAAAACACTCCATTGTTTCCGGTCAG-3'
Protein context (NP_955387.1, residues 475-495): SSCSRQYLKK[Phe485Ile]LSTPQAGCLV

ClinVar aggregate classification (germline): Uncertain significance. Review status: no assertion criteria provided (0 of 4 stars). 2 submissions from 1 submitter: Uncertain significance (1). 1 of the submissions does not count toward it.

Submissions (2):

Richard Lifton Laboratory, Yale University School of Medicine
Classification: Uncertain significance. Review status: no assertion criteria provided. Collection method: not provided. Allele origin: somatic.
Comment: ADAMTS18:p.F485I
ClinVar note: Converted during submission from unknown to Uncertain significance.

Richard Lifton Laboratory, Yale University School of Medicine
Classification: Uncertain significance. Review status: flagged submission. Collection method: not provided. Allele origin: somatic. Not counted in ClinVar's aggregate classification.
ClinVar note: Converted during submission from unknown to Uncertain significance.
ClinVar note: Reason: This record appears to be redundant with a more recent record from the same submitter.
ClinVar note: Notes: SCV000120121 appears to be redundant with SCV000155225.